The following is an entry in ClinVar:

NM_080764.4(ZNF280B):c.1059C>T (p.Pro353=)

Genes: IGL (immunoglobulin lambda locus; plus strand), ZNF280B (zinc finger protein 280B; minus strand). Cytogenetic location: 22q11.22.
Variant type: single nucleotide variant.
Coding change: c.1059C>T on transcript NM_080764.4 (MANE Select); coding-DNA position 1059, C replaced by T.
Protein change: p.Pro353=; no amino-acid change (proline 353 retained).
Molecular consequence: synonymous variant. On other transcripts: non-coding transcript variant (1).
Genome position (GRCh38, 1-based): chr22:22,488,340, G>A on the plus strand (C>T on the coding strand, the complement: ZNF280B is on the minus strand). VCF-style: chr22-22488340-G-A. GRCh37 (hg19) VCF-style: chr22-22842665-G-A.
Identifiers: ClinVar variation 4872776 (VCV004872776.2).

ClinVar aggregate classification (germline): Likely benign (1 of 4 stars; one submission).

gnomAD v4.1: 1 of 1,613,824 alleles (0.000062%); highest among the groups gnomAD compares: Non-Finnish European, 0.000085%; no homozygotes.

Submission:

CeGaT Center for Human Genetics Tuebingen
Classification: Likely benign. Last evaluated: 2026-05-01. Review status: criteria provided, single submitter. Criteria: CeGaT Center For Human Genetics Tuebingen Variant Classification Criteria Version 2. Collection method: clinical testing. Allele origin: germline. Affected: yes. Observed: 1 variant allele.
Comment: ZNF280B: BP4, BP7